The following is an entry in ClinVar:

ClinVar aggregate classification (germline): Pathogenic (0 of 4 stars; one submission).

Conditions:
LEPR-related disorder. Also called: LEPR-related condition; LEPR-related disorders.

gnomAD v4.1: 1 of 1,613,702 alleles (0.000062%); highest among the groups gnomAD compares: Non-Finnish European, 0.000085%; no homozygotes.

Submission:

PreventionGenetics, part of Exact Sciences
Classification: Pathogenic for LEPR-related condition. Last evaluated: 2024-07-24. Review status: no assertion criteria provided. Collection method: clinical testing. Allele origin: germline.
Comment: The LEPR c.1103G>A variant is predicted to result in premature protein termination (p.Trp368*). To our knowledge, this variant has not been reported in the literature or in a large population database, indicating this variant is rare. Truncating variants in this gene have been commonly reported to be pathogenic for obesity due to leptin receptor deficiency (Human Gene Mutation Database; OMIM #614963), and nonsense variants in LEPR are expected to be pathogenic. This variant is interpreted as pathogenic.

NM_002303.6(LEPR):c.1103G>A (p.Trp368Ter)

Gene: LEPR (leptin receptor; plus strand). Cytogenetic location: 1p31.3.
Variant type: single nucleotide variant.
Coding change: c.1103G>A on transcript NM_002303.6 (MANE Select); coding-DNA position 1103, G replaced by A.
Protein change: p.Trp368Ter; replaces tryptophan 368 with a stop codon.
Molecular consequence: nonsense.
Genome position (GRCh38, 1-based): chr1:65,601,500, G>A. VCF-style: chr1-65601500-G-A. GRCh37 (hg19) VCF-style: chr1-66067183-G-A.
Other names: c.1103G>A, p.Trp368Ter (NM_001003679.3, NM_001003680.3, NM_001198687.2 and 2 more transcripts); short protein forms W368*.
Identifiers: ClinVar variation 3351967 (VCV003351967.1).
Genomic context (GRCh38, chr1:65,601,500, plus strand): 5'-TTTCTTTTCACTGCATCTATAAGAAGGAAAACAAGATTGTTCCCTCAAAAGAGATTGTTT[G>A]GTGGATGAATTTAGCTGAGAAAATTCCTCAAAGCCAGTATGATGTTGTGAGTGATCATGT-3'